The following is an entry in ClinVar:

ClinVar aggregate classification (germline): Benign. Review status: criteria provided, multiple submitters, no conflicts (2 of 4 stars). 10 submissions from 10 submitters: Benign (7). 3 of the submissions do not count toward it. Last evaluated 2026-02-03.

Conditions:
Norman-Roberts syndrome (LIS2). Also called: Lissencephaly 2 (Norman-Roberts type). Identifiers: Orphanet 89844, MedGen C0796089, MONDO:0009760, OMIM 257320.
Familial temporal lobe epilepsy 7. Identifiers: Orphanet 101046, MedGen C4225327, MONDO:0014639, OMIM 616436.

Allele frequency attached by ClinVar (database versions not stated): gnomAD exomes 0.02368 and 0.02818; ExAC 0.02464; 1000 Genomes Project 0.02736; 1000 Genomes Project 30x 0.02951; gnomAD 0.03882 and 0.04078; ESP Exome Variant Server 0.04021; TOPMed 0.04042.
gnomAD v4.1: 46,899 of 1,612,708 alleles (2.9%); highest among the groups gnomAD compares: African/African-American, 7.2%; 866 homozygotes.

Submissions (10):

Labcorp Genetics (formerly Invitae), Labcorp
Classification: Benign for Familial temporal lobe epilepsy 7; Norman-Roberts syndrome. Last evaluated: 2026-02-03. Review status: criteria provided, single submitter. Criteria: Invitae Variant Classification Sherloc (09022015). Collection method: clinical testing. Allele origin: germline.

Mayo Clinic Laboratories, Mayo Clinic
Classification: Benign. Last evaluated: 2018-04-10. Review status: criteria provided, single submitter. Criteria: ACMG Guidelines, 2015. Collection method: clinical testing. Allele origin: germline. Observed: 37 variant alleles.

Illumina Laboratory Services, Illumina
Classification: Benign for Norman-Roberts syndrome. Last evaluated: 2018-01-13. Review status: criteria provided, single submitter. Criteria: ICSL Variant Classification Criteria 13 December 2019. Collection method: clinical testing. Allele origin: germline.
Comment: This variant was observed in the ICSL laboratory as part of a predisposition screen in an ostensibly healthy population. It had not been previously curated by ICSL or reported in the Human Gene Mutation Database (HGMD: prior to June 1st, 2018), and was therefore a candidate for classification through an automated scoring system. Utilizing variant allele frequency, disease prevalence and penetrance estimates, and inheritance mode, an automated score was calculated to assess if this variant is too frequent to cause the disease. Based on the score and internal cut-off values, a variant classified as benign is not then subjected to further curation. The score for this variant resulted in a classification of benign for this disease.

GeneDx
Classification: Benign. Last evaluated: 2014-01-28. Review status: criteria provided, single submitter. Criteria: GeneDx Variant Classification (06012015). Collection method: clinical testing. Allele origin: germline. Affected: yes.
Comment: This variant is considered likely benign or benign based on one or more of the following criteria: it is a conservative change, it occurs at a poorly conserved position in the protein, it is predicted to be benign by multiple in silico algorithms, and/or has population frequency not consistent with disease.

Eurofins Ntd Llc (ga)
Classification: Benign. Last evaluated: 2013-02-23. Review status: criteria provided, single submitter. Criteria: EGL Classification Definitions 2015. Collection method: clinical testing. Allele origin: germline. Observed: 1 variant allele, 1 heterozygote.

Breakthrough Genomics
Classification: Benign. Review status: criteria provided, single submitter. Criteria: ACMG Guidelines, 2015. Collection method: not provided. Allele origin: germline. Inheritance: Autosomal recessive inheritance. Affected: yes.

PreventionGenetics, part of Exact Sciences
Classification: Benign. Review status: criteria provided, single submitter. Criteria: ACMG Guidelines, 2015. Collection method: clinical testing. Allele origin: germline.

Clinical Genetics DNA and cytogenetics Diagnostics Lab, Erasmus MC, Erasmus Medical Center
Classification: Benign. Review status: no assertion criteria provided. Collection method: clinical testing. Allele origin: germline. Affected: yes. Study: VKGL Data-share Consensus. Not counted in ClinVar's aggregate classification.

Clinical Genetics, Academic Medical Center
Classification: Benign. Review status: no assertion criteria provided. Collection method: clinical testing. Allele origin: germline. Affected: yes. Study: VKGL Data-share Consensus. Not counted in ClinVar's aggregate classification.

Genetic Services Laboratory, University of Chicago
Classification: Likely benign for AllHighlyPenetrant. Review status: no assertion criteria provided. Collection method: clinical testing. Allele origin: germline. Inheritance: Autosomal recessive inheritance. Not counted in ClinVar's aggregate classification.
Comment: Likely benign based on allele frequency in 1000 Genomes Project or ESP global frequency and its presence in a patient with a rare or unrelated disease phenotype. NOT Sanger confirmed.

NM_005045.4(RELN):c.1596G>A (p.Gln532=)

Gene: RELN (reelin; minus strand). Cytogenetic location: 7q22.1.
Variant type: single nucleotide variant.
Coding change: c.1596G>A on transcript NM_005045.4 (MANE Select); coding-DNA position 1596, G replaced by A.
Protein change: p.Gln532=; no amino-acid change (glutamine 532 retained).
Molecular consequence: synonymous variant.
Genome position (GRCh38, 1-based): chr7:103,652,718, C>T on the plus strand (G>A on the coding strand, the complement: RELN is on the minus strand). VCF-style: chr7-103652718-C-T. GRCh37 (hg19) VCF-style: chr7-103293165-C-T.
Other names: p.Q532Q:CAG>CAA; p.Gln532=; c.1596G>A, p.Gln532= (NM_173054.3).
Identifiers: ClinVar variation 95212 (VCV000095212.28), dbSNP rs41276154, ClinGen allele CA148337.